The following is an entry in ClinVar:

ClinVar aggregate classification (germline): Likely benign (1 of 4 stars; one submission).

Allele frequency attached by ClinVar (database versions not stated): ESP Exome Variant Server 0.00023; 1000 Genomes Project 30x 0.00031; TOPMed 0.00031; gnomAD 0.00034; gnomAD exomes 0.00037.
gnomAD v4.1: 573 of 1,614,132 alleles (0.035%); highest among the groups gnomAD compares: Non-Finnish European, 0.046%; 1 homozygote.

Submission:

CeGaT Center for Human Genetics Tuebingen
Classification: Likely benign. Last evaluated: 2022-10-01. Review status: criteria provided, single submitter. Criteria: CeGaT Center For Human Genetics Tuebingen Variant Classification Criteria Version 2. Collection method: clinical testing. Allele origin: germline. Affected: yes. Observed: 1 variant allele.
Comment: NLRP2: BP4, BP7

NM_017852.5(NLRP2):c.1602C>T (p.Asp534=)

Gene: NLRP2 (NLR family pyrin domain containing 2; plus strand). Cytogenetic location: 19q13.42.
Variant type: single nucleotide variant.
Coding change: c.1602C>T on transcript NM_017852.5 (MANE Select); coding-DNA position 1602, C replaced by T.
Protein change: p.Asp534=; no amino-acid change (aspartic acid 534 retained).
Molecular consequence: synonymous variant. On other transcripts: non-coding transcript variant (1).
Genome position (GRCh38, 1-based): chr19:54,983,300, C>T. VCF-style: chr19-54983300-C-T. GRCh37 (hg19) VCF-style: chr19-55494668-C-T.
Other names: c.1602C>T, p.Asp534= (NM_001174081.3); c.1536C>T, p.Asp512= (NM_001174082.3); c.1533C>T, p.Asp511= (NM_001174083.2); c.1593C>T, p.Asp531= (NM_001348003.2).
Identifiers: ClinVar variation 2650501 (VCV002650501.24), dbSNP rs144234287, ClinGen allele CA310105084.